The following is an entry in ClinVar:

ClinVar aggregate classification (germline): Benign/Likely benign. Review status: criteria provided, multiple submitters, no conflicts (2 of 4 stars). 11 submissions from 11 submitters: Benign (2); Likely benign (9). Last evaluated 2026-02-03.

Conditions:
Juvenile polyposis syndrome (JPS). Identifiers: Orphanet 2929, MedGen C0345893, MONDO:0017380, OMIM 174900.
Hereditary cancer-predisposing syndrome. Also called: Tumor predisposition; Neoplastic Syndromes, Hereditary; Hereditary neoplastic syndrome; Hereditary Cancer Syndrome. Identifiers: Orphanet 140162, MedGen C0027672, MeSH D009386, MONDO:0015356.
Pulmonary arterial hypertension. Identifiers: Orphanet 182090, MedGen C2973725, MeSH D000081029, MONDO:0015924, HP:0002092.

Allele frequency attached by ClinVar (database versions not stated): TOPMed below 0.00001; gnomAD 0.00001; gnomAD exomes 0.00004; ExAC 0.00007.
gnomAD v4.1: 23 of 1,613,930 alleles (0.0014%); highest among the groups gnomAD compares: East Asian, 0.0089%; no homozygotes.

Submissions (11):

Labcorp Genetics (formerly Invitae), Labcorp
Classification: Likely benign for Juvenile polyposis syndrome. Last evaluated: 2026-02-03. Review status: criteria provided, single submitter. Criteria: Invitae Variant Classification Sherloc (09022015). Collection method: clinical testing. Allele origin: germline.

Center for Genomic Medicine, Rigshospitalet, Copenhagen University Hospital
Classification: Likely benign. Last evaluated: 2025-03-04. Review status: criteria provided, single submitter. Criteria: ACMG Guidelines, 2015. Collection method: clinical testing. Allele origin: germline.

Myriad Genetics, Inc.
Classification: Benign for Juvenile polyposis syndrome. Last evaluated: 2024-08-07. Review status: criteria provided, single submitter. Criteria: Myriad Autosomal Dominant, Autosomal Recessive and X-Linked Classification Criteria (2023). Collection method: clinical testing. Allele origin: unknown.
Comment: This variant is considered benign. This variant is a silent/synonymous amino acid change and it is not expected to impact splicing.

Blueprint Genetics
Classification: Likely benign. Last evaluated: 2024-05-03. Review status: criteria provided, single submitter. Criteria: ACMG Guidelines, 2015. Collection method: clinical testing. Allele origin: germline.

All of Us Research Program, National Institutes of Health
Classification: Likely benign for Juvenile polyposis syndrome. Last evaluated: 2024-01-11. Review status: criteria provided, single submitter. Criteria: ACMG Guidelines, 2015. Collection method: clinical testing. Allele origin: germline. Inheritance: Autosomal dominant inheritance. Observed: 3 variant alleles, 3 heterozygotes.
Comment: This study involves interpretation of variants in research participants for the purpose of population health screening. Participant phenotype was not available at the time of variant classification. Additional details can be found in publication PMID: 35346344, PMCID: PMC8962531

Sema4
Classification: Likely benign for Hereditary cancer-predisposing syndrome. Last evaluated: 2022-02-08. Review status: criteria provided, single submitter. Criteria: Sema4 Curation Guidelines. Collection method: curation. Allele origin: germline.

Department of Pathology and Laboratory Medicine, Sinai Health System
Classification: Likely benign for pulmonary arterial hypertension. Last evaluated: 2020-05-15. Review status: criteria provided, single submitter. Criteria: ACMG Guidelines, 2015. Collection method: clinical testing. Allele origin: germline.

Quest Diagnostics Nichols Institute San Juan Capistrano
Classification: Benign. Last evaluated: 2019-06-14. Review status: criteria provided, single submitter. Criteria: Quest Diagnostics criteria. Collection method: clinical testing. Allele origin: germline.

GeneDx
Classification: Likely benign. Last evaluated: 2017-12-21. Review status: criteria provided, single submitter. Criteria: GeneDx Variant Classification (06012015). Collection method: clinical testing. Allele origin: germline. Affected: yes.
Comment: This variant is considered likely benign or benign based on one or more of the following criteria: it is a conservative change, it occurs at a poorly conserved position in the protein, it is predicted to be benign by multiple in silico algorithms, and/or has population frequency not consistent with disease.

Color Diagnostics, LLC DBA Color Health
Classification: Likely benign for Hereditary cancer-predisposing syndrome. Last evaluated: 2016-12-06. Review status: criteria provided, single submitter. Criteria: ACMG Guidelines, 2015. Collection method: clinical testing. Allele origin: germline.

Ambry Genetics
Classification: Likely benign for Hereditary cancer-predisposing syndrome. Last evaluated: 2014-07-31. Review status: criteria provided, single submitter. Criteria: Ambry Variant Classification Scheme 2023. Collection method: clinical testing. Allele origin: germline.

NM_004329.3(BMPR1A):c.1191C>G (p.Pro397=)

Gene: BMPR1A (bone morphogenetic protein receptor type 1A; plus strand). Cytogenetic location: 10q23.2.
Variant type: single nucleotide variant.
Coding change: c.1191C>G on transcript NM_004329.3 (MANE Select); coding-DNA position 1191, C replaced by G.
Protein change: p.Pro397=; no amino-acid change (proline 397 retained).
Molecular consequence: synonymous variant.
Genome position (GRCh38, 1-based): chr10:86,921,544, C>G. VCF-style: chr10-86921544-C-G. GRCh37 (hg19) VCF-style: chr10-88681301-C-G.
Identifiers: ClinVar variation 185792 (VCV000185792.26), dbSNP rs751078831, ClinGen allele CA192965.